The following is an entry in ClinVar:

NM_152703.5(SAMD9L):c.3524A>G (p.Tyr1175Cys)

Gene: SAMD9L (sterile alpha motif domain containing 9 like; minus strand). Cytogenetic location: 7q21.2.
Variant type: single nucleotide variant.
Coding change: c.3524A>G on transcript NM_152703.5 (MANE Select); coding-DNA position 3524, A replaced by G.
Protein change: p.Tyr1175Cys; replaces tyrosine 1175 with cysteine.
Molecular consequence: missense variant.
Genome position (GRCh38, 1-based): chr7:93,132,448, T>C on the plus strand (A>G on the coding strand, the complement: SAMD9L is on the minus strand). VCF-style: chr7-93132448-T-C. GRCh37 (hg19) VCF-style: chr7-92761761-T-C.
Other names: c.3524A>G, p.Tyr1175Cys (NM_001303496.3, NM_001303497.3, NM_001303498.3 and 5 more transcripts); c.3524A>G (NM_152703.3); short protein forms Y1175C.
Identifiers: ClinVar variation 1580630 (VCV001580630.12), dbSNP rs577459487, ClinGen allele CA4343441.
Genomic context (GRCh38, chr7:93,132,448, plus strand): 5'-GCTGTGTTATACATGTCATATCGTCTCTGGGACTTCTGTGGTGACCAGTTCTCGGTTTCA[T>C]AGTTTTTACTATCAGTTTGCCTTTGGGATTCTTTGAAAGCTCTTGAGGCTTTTTCCGCAG-3'
Protein context (NP_689916.2, residues 1165-1185): ESQRQTDSKN[Tyr1175Cys]ETENWSPQKS

ClinVar aggregate classification (germline): Benign/Likely benign. Review status: criteria provided, multiple submitters, no conflicts (2 of 4 stars). 4 submissions from 4 submitters: Benign (1); Likely benign (2). 1 of the submissions does not count toward it. Last evaluated 2026-08-01.

Conditions:
SAMD9L-related disorder. Also called: SAMD9L-related condition; SAMD9L-related disorders.

Allele frequency attached by ClinVar (database versions not stated): gnomAD exomes 0.00015 and 0.00028; 1000 Genomes Project 0.00020; ExAC 0.00030; 1000 Genomes Project 30x 0.00031; TOPMed 0.00003; gnomAD 0.00006.
gnomAD v4.1: 222 of 1,613,600 alleles (0.014%); highest among the groups gnomAD compares: South Asian, 0.21%; 3 homozygotes.

Submissions (4):

CeGaT Center for Human Genetics Tuebingen
Classification: Likely benign. Last evaluated: 2026-08-01. Review status: criteria provided, single submitter. Criteria: CeGaT Center For Human Genetics Tuebingen Variant Classification Criteria Version 2. Collection method: clinical testing. Allele origin: germline. Affected: yes. Observed: 1 variant allele.
Comment: SAMD9L: BP4, BS1

Labcorp Genetics (formerly Invitae), Labcorp
Classification: Benign. Last evaluated: 2026-01-20. Review status: criteria provided, single submitter. Criteria: Invitae Variant Classification Sherloc (09022015). Collection method: clinical testing. Allele origin: germline.

Blueprint Genetics
Classification: Likely benign. Last evaluated: 2024-09-05. Review status: criteria provided, single submitter. Criteria: ACMG Guidelines, 2015. Collection method: clinical testing. Allele origin: germline.

PreventionGenetics, part of Exact Sciences
Classification: Likely benign for SAMD9L-related condition. Last evaluated: 2024-04-18. Review status: no assertion criteria provided. Collection method: clinical testing. Allele origin: germline. Not counted in ClinVar's aggregate classification.
Comment: This variant is classified as likely benign based on ACMG/AMP sequence variant interpretation guidelines (Richards et al. 2015 PMID: 25741868, with internal and published modifications).